The following is an entry in ClinVar:

NM_001031725.6(DDX59):c.218A>G (p.His73Arg)

Gene: DDX59 (DEAD-box helicase 59; minus strand). Cytogenetic location: 1q32.1.
Variant type: single nucleotide variant.
Coding change: c.218A>G on transcript NM_001031725.6 (MANE Select); coding-DNA position 218, A replaced by G.
Protein change: p.His73Arg; replaces histidine 73 with arginine.
Molecular consequence: missense variant.
Genome position (GRCh38, 1-based): chr1:200,666,523, T>C on the plus strand (A>G on the coding strand, the complement: DDX59 is on the minus strand). VCF-style: chr1-200666523-T-C. GRCh37 (hg19) VCF-style: chr1-200635651-T-C.
Other names: c.218A>G, p.His73Arg (NM_001320181.2, NM_001320182.1, NM_001349799.3 and 5 more transcripts); short protein forms H73R.
Identifiers: ClinVar variation 1707012 (VCV001707012.2), dbSNP rs1462783709, ClinGen allele CA344152537.

ClinVar aggregate classification (germline): Uncertain significance (1 of 4 stars; one submission).

Allele frequency attached by ClinVar (database versions not stated): gnomAD 0.00001; gnomAD exomes below 0.00001.
gnomAD v4.1: 6 of 1,614,094 alleles (0.00037%); highest among the groups gnomAD compares: Admixed American, 0.0017%; no homozygotes.

Submission:

GeneDx
Classification: Uncertain significance. Last evaluated: 2022-03-24. Review status: criteria provided, single submitter. Criteria: GeneDx Variant Classification Process June 2021. Collection method: clinical testing. Allele origin: germline. Affected: yes.
Comment: Not observed at significant frequency in large population cohorts (gnomAD); In silico analysis supports that this missense variant does not alter protein structure/function; Has not been previously published as pathogenic or benign to our knowledge